The following is an entry in ClinVar:

ClinVar aggregate classification (germline): Uncertain significance (1 of 4 stars; one submission).

Conditions:
Neuropathy, hereditary sensory and autonomic, type 2A (HSAN2A). Also called: HSAN IIA; WNK1-Related HSAN2 (HSAN2A); ACROOSTEOLYSIS, GIACCAI TYPE; ACROOSTEOLYSIS, NEUROGENIC; MORVAN DISEASE; NEUROPATHY, CONGENITAL SENSORY. Identifiers: Orphanet 970, MedGen C2752089, MONDO:0024309, OMIM 201300.
Generalized epilepsy with febrile seizures plus, type 7 (GEFSP7). Also called: GEFS+, TYPE 7. Identifiers: Orphanet 36387, MedGen C2751778, MONDO:0013470, OMIM 613863.

Submission:

Labcorp Genetics (formerly Invitae), Labcorp
Classification: Uncertain significance for Neuropathy, hereditary sensory and autonomic, type 2A; Generalized epilepsy with febrile seizures plus, type 7. Last evaluated: 2023-04-07. Review status: criteria provided, single submitter. Criteria: Invitae Variant Classification Sherloc (09022015). Collection method: clinical testing. Allele origin: germline.
Comment: In summary, the available evidence is currently insufficient to determine the role of this variant in disease. Therefore, it has been classified as a Variant of Uncertain Significance. Advanced modeling of protein sequence and biophysical properties (such as structural, functional, and spatial information, amino acid conservation, physicochemical variation, residue mobility, and thermodynamic stability) has been performed at Invitae for this missense variant, however the output from this modeling did not meet the statistical confidence thresholds required to predict the impact of this variant on SCN9A protein function. This variant has not been reported in the literature in individuals affected with SCN9A-related conditions. This variant is not present in population databases (gnomAD no frequency). This sequence change replaces proline, which is neutral and non-polar, with threonine, which is neutral and polar, at codon 1944 of the SCN9A protein (p.Pro1944Thr).

NM_001365536.1(SCN9A):c.5863C>A (p.Pro1955Thr)

Genes: SCN1A-AS1 (SCN1A and SCN9A antisense RNA 1; plus strand), SCN9A (sodium voltage-gated channel alpha subunit 9; minus strand). Cytogenetic location: 2q24.3.
Variant type: single nucleotide variant.
Coding change: c.5863C>A on transcript NM_001365536.1 (MANE Select); coding-DNA position 5863, C replaced by A.
Protein change: p.Pro1955Thr; replaces proline 1955 with threonine.
Molecular consequence: missense variant.
Genome position (GRCh38, 1-based): chr2:166,198,776, G>T on the plus strand (C>A on the coding strand, the complement: SCN9A is on the minus strand). VCF-style: chr2-166198776-G-T. GRCh37 (hg19) VCF-style: chr2-167055286-G-T.
Other names: c.5830C>A, p.Pro1944Thr (NM_002977.4); short protein forms P1955T, P1944T.
Identifiers: ClinVar variation 2946299 (VCV002946299.3), dbSNP rs2468873841, ClinGen allele CA349051331.